The following is an entry in ClinVar:

NM_177438.3(DICER1):c.26T>C (p.Leu9Pro)

Gene: DICER1 (dicer 1, ribonuclease III; minus strand). Cytogenetic location: 14q32.13.
Variant type: single nucleotide variant.
Coding change: c.26T>C on transcript NM_177438.3 (MANE Select); coding-DNA position 26, T replaced by C.
Protein change: p.Leu9Pro; replaces leucine 9 with proline.
Molecular consequence: missense variant. On other transcripts: 5 prime UTR variant (8), non-coding transcript variant (6), intron variant (1).
Genome position (GRCh38, 1-based): chr14:95,133,433, A>G on the plus strand (T>C on the coding strand, the complement: DICER1 is on the minus strand). VCF-style: chr14-95133433-A-G. GRCh37 (hg19) VCF-style: chr14-95599770-A-G.
Other names: c.26T>C, p.Leu9Pro (NM_001195573.1, NM_001271282.3, NM_001291628.2 and 15 more transcripts); c.-249T>C (NM_001395686.1, NM_001395688.1, NM_001395689.1 and 3 more transcripts); c.-433T>C (NM_001395691.1); c.-1543T>C (NM_001395697.1); c.-130-756T>C (NM_001395687.1); short protein forms L9P.
Identifiers: ClinVar variation 1794917 (VCV001794917.2), dbSNP rs2543389497, ClinGen allele CA390890771.

ClinVar aggregate classification (germline): Uncertain significance (1 of 4 stars; one submission).

Conditions:
Hereditary cancer-predisposing syndrome. Also called: Tumor predisposition; Hereditary Cancer Syndrome; Neoplastic Syndromes, Hereditary; Hereditary neoplastic syndrome. Identifiers: Orphanet 140162, MedGen C0027672, MeSH D009386, MONDO:0015356.

Submission:

Ambry Genetics
Classification: Uncertain significance for Hereditary cancer-predisposing syndrome. Last evaluated: 2020-01-24. Review status: criteria provided, single submitter. Criteria: Ambry Variant Classification Scheme 2023. Collection method: clinical testing. Allele origin: germline.
Comment: The p.L9P variant (also known as c.26T>C), located in coding exon 1 of the DICER1 gene, results from a T to C substitution at nucleotide position 26. The leucine at codon 9 is replaced by proline, an amino acid with similar properties. This amino acid position is highly conserved in available vertebrate species. In addition, this alteration is predicted to be deleterious by in silico analysis. Since supporting evidence is limited at this time, the clinical significance of this alteration remains unclear.